The following is an entry in ClinVar:

ClinVar aggregate classification (germline): Uncertain significance (1 of 4 stars; one submission).

Allele frequency attached by ClinVar (database versions not stated): gnomAD exomes below 0.00001.
gnomAD v4.1: 1 of 1,613,612 alleles (0.000062%); highest among the groups gnomAD compares: Admixed American, 0.0017%; no homozygotes.

Submission:

Labcorp Genetics (formerly Invitae), Labcorp
Classification: Uncertain significance. Last evaluated: 2025-10-09. Review status: criteria provided, single submitter. Criteria: Invitae Variant Classification Sherloc (09022015). Collection method: clinical testing. Allele origin: germline.
Comment: This sequence change replaces isoleucine, which is neutral and non-polar, with threonine, which is neutral and polar, at codon 945 of the MSH3 protein (p.Ile945Thr). This variant is not present in population databases (gnomAD no frequency). This variant has not been reported in the literature in individuals affected with MSH3-related conditions. ClinVar contains an entry for this variant (Variation ID: 1386101). An algorithm developed to predict the effect of missense changes on protein structure and function (PolyPhen-2) suggests that this variant is likely to be disruptive. In summary, the available evidence is currently insufficient to determine the role of this variant in disease. Therefore, it has been classified as a Variant of Uncertain Significance.

NM_002439.5(MSH3):c.2834T>C (p.Ile945Thr)

Gene: MSH3 (mutS homolog 3; plus strand). Cytogenetic location: 5q14.1.
Variant type: single nucleotide variant.
Coding change: c.2834T>C on transcript NM_002439.5 (MANE Select); coding-DNA position 2834, T replaced by C.
Protein change: p.Ile945Thr; replaces isoleucine 945 with threonine.
Molecular consequence: missense variant.
Genome position (GRCh38, 1-based): chr5:80,854,150, T>C. VCF-style: chr5-80854150-T-C. GRCh37 (hg19) VCF-style: chr5-80149969-T-C.
Other names: short protein forms I945T.
Identifiers: ClinVar variation 1386101 (VCV001386101.6), dbSNP rs2112106243, ClinGen allele CA360275498.
Genomic context (GRCh38, chr5:80,854,150, plus strand): 5'-AGTGAAGAGGAAAATCAAGGTGTTTTCATCTTGCTTGTAGGATGGGTGCTGCAGACAATA[T>C]ATATAAAGGACAGAGTACATTTATGGAAGAACTGACTGACACAGCAGAAATAATCAGAAA-3'
Protein context (NP_002430.3, residues 935-955): IFTRMGAADN[Ile945Thr]YKGQSTFMEE